The following is an entry in ClinVar:

ClinVar aggregate classification (germline): Conflicting classifications of pathogenicity. Review status: criteria provided, conflicting classifications (1 of 4 stars). 5 submissions from 3 submitters: Uncertain significance (3); Likely benign (2). Last evaluated 2023-02-08.

Conditions:
Familial Mediterranean fever, autosomal dominant. Also called: Dominant Familial Mediterranean Fever; FMF, AUTOSOMAL DOMINANT. Identifiers: Orphanet 342, MedGen C1851347, MONDO:0007601, OMIM 134610.
Familial Mediterranean fever (FMF). Also called: POLYSEROSITIS, FAMILIAL PAROXYSMAL; POLYSEROSITIS, RECURRENT; Periodic peritonitis; Benign paroxysmal peritonitis. Identifiers: Orphanet 342, MedGen C0031069, MONDO:0018088, OMIM 249100. Disease mechanism: gain of function.
Acute febrile neutrophilic dermatosis (AFND). Also called: Sweet Syndrome; Gomm Button disease. Identifiers: Orphanet 3243, MedGen C0085077, MONDO:0011959, OMIM 608068.

Allele frequency attached by ClinVar (database versions not stated): gnomAD exomes 0.00001 and below 0.00001; gnomAD 0.00001.
gnomAD v4.1: 4 of 1,557,682 alleles (0.00026%); highest among the groups gnomAD compares: Admixed American, 0.0057%; no homozygotes.

Submissions (5):

Genome-Nilou Lab
Classification: Uncertain significance for Familial Mediterranean fever. Last evaluated: 2023-02-08. Review status: criteria provided, single submitter. Criteria: ACMG Guidelines, 2015. Collection method: clinical testing. Allele origin: germline.

Genome-Nilou Lab
Classification: Likely benign for Familial Mediterranean fever, autosomal dominant. Last evaluated: 2023-02-08. Review status: criteria provided, single submitter. Criteria: ACMG Guidelines, 2015. Collection method: clinical testing. Allele origin: germline.

Genome-Nilou Lab
Classification: Likely benign for Acute febrile neutrophilic dermatosis. Last evaluated: 2023-02-08. Review status: criteria provided, single submitter. Criteria: ACMG Guidelines, 2015. Collection method: clinical testing. Allele origin: germline.

Labcorp Genetics (formerly Invitae), Labcorp
Classification: Uncertain significance for Familial Mediterranean fever. Last evaluated: 2022-08-15. Review status: criteria provided, single submitter. Criteria: Invitae Variant Classification Sherloc (09022015). Collection method: clinical testing. Allele origin: germline.
Comment: This sequence change replaces lysine, which is basic and polar, with glutamic acid, which is acidic and polar, at codon 174 of the MEFV protein (p.Lys174Glu). The frequency data for this variant in the population databases is considered unreliable, as metrics indicate poor data quality at this position in the gnomAD database. This variant has not been reported in the literature in individuals affected with MEFV-related conditions. ClinVar contains an entry for this variant (Variation ID: 1006519). Algorithms developed to predict the effect of missense changes on protein structure and function are either unavailable or do not agree on the potential impact of this missense change (SIFT: "Deleterious"; PolyPhen-2: "Possibly Damaging"; Align-GVGD: "Class C0"). In summary, the available evidence is currently insufficient to determine the role of this variant in disease. Therefore, it has been classified as a Variant of Uncertain Significance.

Fulgent Genetics
Classification: Uncertain significance for Familial Mediterranean fever, autosomal dominant; Familial Mediterranean fever; Acute febrile neutrophilic dermatosis. Last evaluated: 2022-05-10. Review status: criteria provided, single submitter. Criteria: ACMG Guidelines, 2015. Collection method: clinical testing. Allele origin: unknown.

NM_000243.3(MEFV):c.520A>G (p.Lys174Glu)

Gene: MEFV (MEFV innate immunity regulator, pyrin; minus strand). Cytogenetic location: 16p13.3.
Variant type: single nucleotide variant.
Coding change: c.520A>G on transcript NM_000243.3 (MANE Select); coding-DNA position 520, A replaced by G.
Protein change: p.Lys174Glu; replaces lysine 174 with glutamic acid.
Molecular consequence: missense variant. On other transcripts: intron variant (1).
Genome position (GRCh38, 1-based): chr16:3,254,548, T>C on the plus strand (A>G on the coding strand, the complement: MEFV is on the minus strand). VCF-style: chr16-3254548-T-C. GRCh37 (hg19) VCF-style: chr16-3304548-T-C.
Other names: c.277+1763A>G (NM_001198536.2); short protein forms K174E.
Identifiers: ClinVar variation 1006519 (VCV001006519.4), dbSNP rs777199024, ClinGen allele CA394480989.
Genomic context (GRCh38, chr16:3,254,548, plus strand): 5'-GCGCCCTGCAGGGGCCGGGGCTTCTCCCGCCCGGCAGGGCCGGGCTCCGGGTCCGAGGCT[T>C]GCCCTGCGCGTCCAGGCCCTCCGAGGCCTTCTCTCTGCGTTTGCTCAGGGGCTTCCTCGA-3'
Protein context (NP_000234.1, residues 164-184): KASEGLDAQG[Lys174Glu]PRTRSPALPG